The following is an entry in ClinVar:

NM_000124.4(ERCC6):c.541_543del (p.Lys181del)

Gene: ERCC6 (ERCC excision repair 6, chromatin remodeling factor; minus strand). Cytogenetic location: 10q11.23.
Variant type: Deletion.
Coding change: c.541_543del on transcript NM_000124.4 (MANE Select); coding-DNA positions 541 to 543, 3 bases deleted (AAG; older notation c.541_543delAAG).
Protein change: p.Lys181del; deletes lysine 181.
Molecular consequence: inframe deletion.
Genome position (GRCh38, 1-based): chr10:49,530,720-49,530,722, CTT deleted on the plus strand (AAG on the coding strand, the reverse complement: ERCC6 is on the minus strand). VCF-style (leftmost placement, unchanged base first): chr10-49530719-CCTT-C. GRCh37 (hg19) VCF-style: chr10-50738765-CCTT-C.
Other names: c.541_543del, p.Lys181del (NM_001277058.2, NM_001277059.2, NM_001346440.2); short protein forms K181del.
Identifiers: ClinVar variation 4854778 (VCV004854778.1).

ClinVar aggregate classification (germline): Uncertain significance (1 of 4 stars; one submission).

Conditions:
ERCC6-related disorder. Also called: ERCC6-related condition; ERCC6-related disorders. Identifiers: MedGen CN239385.

Submission:

3billion
Classification: Uncertain significance for ERCC6-related disorder. Last evaluated: 2025-12-26. Review status: criteria provided, single submitter. Criteria: ACMG Guidelines, 2015. Collection method: clinical testing. Allele origin: germline. Affected: yes.
Comment: The variant is not observed in the gnomAD v4.1.0 dataset. Predicted Consequence/Location: Inframe deletion located in a nonrepeat region: predicted to change the length of the protein and disrupt normal protein function. In silico tools predict the variant to alter splicing and produce an abnormal transcript [SpliceAI: 1.00 (>=0.2, moderate evidence for spliceogenicity)]. Therefore, this variant is classified as VUS according to the recommendation of ACMG/AMP guideline.